The following is an entry in ClinVar:

NM_003309.4(TSPYL1):c.1135A>G (p.Thr379Ala)

Genes: DSE (dermatan sulfate epimerase; plus strand), TSPYL1 (TSPY like 1; minus strand). Cytogenetic location: 6q22.1.
Variant type: single nucleotide variant.
Coding change: c.1135A>G on transcript NM_003309.4 (MANE Select); coding-DNA position 1135, A replaced by G.
Protein change: p.Thr379Ala; replaces threonine 379 with alanine.
Molecular consequence: missense variant. On other transcripts: intron variant (6).
Genome position (GRCh38, 1-based): chr6:116,278,696, T>C on the plus strand (A>G on the coding strand, the complement: TSPYL1 is on the minus strand). VCF-style: chr6-116278696-T-C. GRCh37 (hg19) VCF-style: chr6-116599859-T-C.
Other names: c.-954+19729T>C (NM_001374520.1); c.-54+19729T>C (NM_001322937.2, NM_001322938.2, NM_001374522.1); c.-641+19729T>C (NM_001374521.1); c.-611+19729T>C (NM_001322940.2); short protein forms T379A.
Identifiers: ClinVar variation 773200 (VCV000773200.35), dbSNP rs45490498, ClinGen allele CA3969154.
Genomic context (GRCh38, chr6:116,278,696, plus strand): 5'-CCTCTTTAATAATCTCAGCAATTTTGTCGGACTCTGGAAGGCTGTGGTCTGAAAACCAAG[T>C]GAAGAAGCTGCAGATGAGGTCTTGGTTTCTGCGAATGAAGGACTGGGGTTCATGCCCCCT-3'
Protein context (NP_003300.1, residues 369-389): RNQDLICSFF[Thr379Ala]WFSDHSLPES

ClinVar aggregate classification (germline): Benign. Review status: criteria provided, multiple submitters, no conflicts (2 of 4 stars). 3 submissions from 3 submitters: Benign (3). Last evaluated 2026-08-01.

Allele frequency attached by ClinVar (database versions not stated): ESP Exome Variant Server 0.00953; gnomAD exomes 0.01077 and 0.00715; ExAC 0.00761; gnomAD 0.00719 and 0.00694; 1000 Genomes Project 30x 0.00219; 1000 Genomes Project 0.00220; TOPMed 0.00612.
gnomAD v4.1: 16,532 of 1,614,102 alleles (1%); highest among the groups gnomAD compares: Non-Finnish European, 1.3%; 101 homozygotes.

Submissions (3):

CeGaT Center for Human Genetics Tuebingen
Classification: Benign. Last evaluated: 2026-08-01. Review status: criteria provided, single submitter. Criteria: CeGaT Center For Human Genetics Tuebingen Variant Classification Criteria Version 2. Collection method: clinical testing. Allele origin: germline. Affected: yes. Observed: 12 variant alleles.
Comment: TSPYL1: BS1, BS2

Labcorp Genetics (formerly Invitae), Labcorp
Classification: Benign. Last evaluated: 2026-01-08. Review status: criteria provided, single submitter. Criteria: Invitae Variant Classification Sherloc (09022015). Collection method: clinical testing. Allele origin: germline.

Genetic Services Laboratory, University of Chicago
Classification: Benign. Last evaluated: 2017-12-27. Review status: criteria provided, single submitter. Criteria: ACMG Guidelines, 2015. Collection method: clinical testing. Allele origin: germline. Affected: no.